The following is an entry in ClinVar:

NM_000390.4(CHM):c.1264C>T (p.Gln422Ter)

Gene: CHM (CHM Rab escort protein; minus strand). Cytogenetic location: Xq21.2.
Variant type: single nucleotide variant.
Coding change: c.1264C>T on transcript NM_000390.4 (MANE Select); coding-DNA position 1264, C replaced by T.
Protein change: p.Gln422Ter; replaces glutamine 422 with a stop codon.
Molecular consequence: nonsense.
Genome position (GRCh38, 1-based): chrX:85,901,169, G>A on the plus strand (C>T on the coding strand, the complement: CHM is on the minus strand). VCF-style: chrX-85901169-G-A. GRCh37 (hg19) VCF-style: chrX-85156174-G-A.
Other names: c.820C>T, p.Gln274Ter (NM_001320959.1, NM_001362517.1, NM_001362518.2 and 1 more transcripts); short protein forms Q274*, Q422*.
Identifiers: ClinVar variation 2138624 (VCV002138624.4), dbSNP rs2520098357, ClinGen allele CA413789902.

ClinVar aggregate classification (germline): Pathogenic (1 of 4 stars; one submission).

Submission:

Labcorp Genetics (formerly Invitae), Labcorp
Classification: Pathogenic. Last evaluated: 2024-11-18. Review status: criteria provided, single submitter. Criteria: Invitae Variant Classification Sherloc (09022015). Collection method: clinical testing. Allele origin: germline.
Comment: This sequence change creates a premature translational stop signal (p.Gln422*) in the CHM gene. It is expected to result in an absent or disrupted protein product. Loss-of-function variants in CHM are known to be pathogenic (PMID: 9067750, 23811034). This variant is not present in population databases (gnomAD no frequency). This premature translational stop signal has been observed in individual(s) with choroideremia (PMID: 23811034, 26133251). ClinVar contains an entry for this variant (Variation ID: 2138624). Algorithms developed to predict the effect of sequence changes on RNA splicing suggest that this variant may disrupt the consensus splice site. For these reasons, this variant has been classified as Pathogenic.

Literature cited by the submitters: PubMed 9067750; PubMed 23811034; PubMed 26133251.